The following is an entry in ClinVar:

ClinVar aggregate classification (germline): Pathogenic (1 of 4 stars; one submission).

Submission:

Labcorp Genetics (formerly Invitae), Labcorp
Classification: Pathogenic. Last evaluated: 2023-03-23. Review status: criteria provided, single submitter. Criteria: Invitae Variant Classification Sherloc (09022015). Collection method: clinical testing. Allele origin: germline.
Comment: This sequence change creates a premature translational stop signal (p.Cys3095*) in the USH2A gene. It is expected to result in an absent or disrupted protein product. Loss-of-function variants in USH2A are known to be pathogenic (PMID: 10729113, 10909849, 20507924, 25649381). This variant is not present in population databases (gnomAD no frequency). This variant has not been reported in the literature in individuals affected with USH2A-related conditions. For these reasons, this variant has been classified as Pathogenic.

Literature cited by the submitters: PubMed 10729113; PubMed 10909849; PubMed 20507924; PubMed 25649381.

NM_206933.4(USH2A):c.9285C>A (p.Cys3095Ter)

Gene: USH2A (usherin; minus strand). Cytogenetic location: 1q41.
Variant type: single nucleotide variant.
Coding change: c.9285C>A on transcript NM_206933.4 (MANE Select); coding-DNA position 9285, C replaced by A.
Protein change: p.Cys3095Ter; replaces cysteine 3095 with a stop codon.
Molecular consequence: nonsense.
Genome position (GRCh38, 1-based): chr1:215,838,077, G>T on the plus strand (C>A on the coding strand, the complement: USH2A is on the minus strand). VCF-style: chr1-215838077-G-T. GRCh37 (hg19) VCF-style: chr1-216011419-G-T.
Other names: short protein forms C3095*.
Identifiers: ClinVar variation 2802222 (VCV002802222.3), dbSNP rs777589855, ClinGen allele CA37439491.